The following is an entry in ClinVar:

ClinVar aggregate classification (germline): Conflicting classifications of pathogenicity. Review status: criteria provided, conflicting classifications (1 of 4 stars). 4 submissions from 4 submitters: Uncertain significance (3); Likely benign (1). Last evaluated 2025-10-14.

Conditions:
Hereditary cancer-predisposing syndrome. Also called: Hereditary neoplastic syndrome; Neoplastic Syndromes, Hereditary; Tumor predisposition; Hereditary Cancer Syndrome. Identifiers: Orphanet 140162, MedGen C0027672, MeSH D009386, MONDO:0015356.

Submissions (4):

Labcorp Genetics (formerly Invitae), Labcorp
Classification: Uncertain significance. Last evaluated: 2025-10-14. Review status: criteria provided, single submitter. Criteria: Invitae Variant Classification Sherloc (09022015). Collection method: clinical testing. Allele origin: germline.
Comment: This sequence change falls in intron 10 of the POLE gene. It does not directly change the encoded amino acid sequence of the POLE protein. It affects a nucleotide within the consensus splice site. Information on the frequency of this variant in the gnomAD database is not available, as this variant may be reported differently in the database. This variant has not been reported in the literature in individuals affected with POLE-related conditions. ClinVar contains an entry for this variant (Variation ID: 422325). Variants that disrupt the consensus splice site are a relatively common cause of aberrant splicing (PMID: 17576681, 9536098). In summary, the available evidence is currently insufficient to determine the role of this variant in disease. Therefore, it has been classified as a Variant of Uncertain Significance.

Ambry Genetics
Classification: Uncertain significance for Hereditary cancer-predisposing syndrome. Last evaluated: 2025-08-19. Review status: criteria provided, single submitter. Criteria: Ambry Variant Classification Scheme 2023. Collection method: clinical testing. Allele origin: germline.
Comment: The c.1020+5_1020+6delGGinsAA intronic variant, begins 5 nucleotides after coding exon 10 in the POLE gene. This variant results from a deletion of two nucleotides and the insertion of two nucleotides at nucleotide positions c.1020+5 and c.1020+6. This nucleotide region is not well conserved in available vertebrate species. In silico splice site analysis predicts that this alteration will result in the creation or strengthening of a novel splice donor site. Based on the available evidence, the clinical significance of this variant remains unclear.

Quest Diagnostics Nichols Institute San Juan Capistrano
Classification: Uncertain significance. Last evaluated: 2023-11-24. Review status: criteria provided, single submitter. Criteria: Quest Diagnostics criteria. Collection method: clinical testing. Allele origin: unknown.
Comment: The POLE c.1020+5_1020+6delinsAA variant has not been reported in individuals with POLE-related conditions in the published literature. The frequency of this variant in the general population, 0.00024 (7/29460 chromosomes in South Asian subpopulation (Genome Aggregation Database)), is higher than would generally be expected for pathogenic variants in this gene. Analysis of this variant using software algorithms for the prediction of the effect of nucleotide changes on POLE mRNA splicing yielded inconclusive findings. Based on the available information, we are unable to determine the clinical significance of this variant.

GeneDx
Classification: Likely benign. Last evaluated: 2016-09-22. Review status: criteria provided, single submitter. Criteria: GeneDx Variant Classification (06012015). Collection method: clinical testing. Allele origin: germline. Affected: yes.
Comment: This variant is considered likely benign or benign based on one or more of the following criteria: it is a conservative change, it occurs at a poorly conserved position in the protein, it is predicted to be benign by multiple in silico algorithms, and/or has population frequency not consistent with disease.

Literature cited by the submitters: PubMed 17576681 (cited by Labcorp Genetics (formerly Invitae), Labcorp); PubMed 9536098 (cited by Labcorp Genetics (formerly Invitae), Labcorp).

NM_006231.4(POLE):c.1020+5_1020+6delinsAA

Gene: POLE (DNA polymerase epsilon, catalytic subunit; minus strand). Cytogenetic location: 12q24.33.
Variant type: Indel.
Coding change: c.1020+5_1020+6delinsAA on transcript NM_006231.4 (MANE Select); bases 5 to 6 of the intron after coding-DNA position 1020, GG replaced by AA.
Molecular consequence: intron variant.
Genome position (GRCh38, 1-based): chr12:132,676,088-132,676,089, CC replaced by TT on the plus strand (GG replaced by AA on the coding strand, the reverse complement: POLE is on the minus strand). VCF-style: chr12-132676088-CC-TT. GRCh37 (hg19) VCF-style: chr12-133252674-CC-TT.
Identifiers: ClinVar variation 422325 (VCV000422325.14), dbSNP rs1064795707, ClinGen allele CA16619480.
Genomic context (GRCh38, chr12:132,676,088, plus strand): 5'-TTGGAAAGATCCACATGTCCGTTCTTCCCACAATACCGGGTAGTTTCCCAAGTGATACCT[CC>TT]TTACCTCATCGGGTTCATTGAAGACACAAAAGGGGCCTTCATATTCTGGCTTGGGGGTGA-3'